The following is an entry in ClinVar:

NM_000535.7(PMS2):c.2025A>T (p.Glu675Asp)

Gene: PMS2 (PMS1 homolog 2, mismatch repair system component; minus strand). Cytogenetic location: 7p22.1.
Variant type: single nucleotide variant.
Coding change: c.2025A>T on transcript NM_000535.7 (MANE Select); coding-DNA position 2025, A replaced by T.
Protein change: p.Glu675Asp; replaces glutamic acid 675 with aspartic acid.
Molecular consequence: missense variant. On other transcripts: non-coding transcript variant (1).
Genome position (GRCh38, 1-based): chr7:5,982,973, T>A on the plus strand (A>T on the coding strand, the complement: PMS2 is on the minus strand). VCF-style: chr7-5982973-T-A. GRCh37 (hg19) VCF-style: chr7-6022604-T-A.
Other names: c.1707A>T, p.Glu569Asp (NM_001322008.2, NM_001322007.2); c.1620A>T, p.Glu540Asp (NM_001322009.2, NM_001322005.2, NM_001322003.2 and 1 more transcripts); c.1869A>T, p.Glu623Asp (NM_001322006.2); c.1464A>T, p.Glu488Asp (NM_001322010.2); c.1092A>T, p.Glu364Asp (NM_001322011.2, NM_001322012.2); c.1452A>T, p.Glu484Asp (NM_001322013.2); c.2025A>T, p.Glu675Asp (NM_001322014.2); c.1716A>T, p.Glu572Asp (NM_001322015.2); short protein forms E364D, E488D, E540D, E572D, E623D, E569D, E675D, E484D.
Identifiers: ClinVar variation 820538 (VCV000820538.15), dbSNP rs1057522947, ClinGen allele CA366738159.

ClinVar aggregate classification (germline): Uncertain significance. Review status: criteria provided, multiple submitters, no conflicts (2 of 4 stars). 3 submissions from 3 submitters: Uncertain significance (3). Last evaluated 2025-11-09.

Conditions:
Hereditary nonpolyposis colorectal neoplasms. Identifiers: MedGen C0009405, MeSH D003123.
Hereditary cancer-predisposing syndrome. Also called: Neoplastic Syndromes, Hereditary; Tumor predisposition; Hereditary Cancer Syndrome; Hereditary neoplastic syndrome. Identifiers: Orphanet 140162, MedGen C0027672, MeSH D009386, MONDO:0015356.
Lynch syndrome 4 (LYNCH4). Also called: Colorectal cancer, hereditary nonpolyposis, type 4; Hereditary non-polyposis colorectal cancer, type 4. Identifiers: Orphanet 144, MedGen C1838333, MONDO:0013699, OMIM 614337. Disease mechanism: loss of function.

Submissions (3):

Labcorp Genetics (formerly Invitae), Labcorp
Classification: Uncertain significance for Hereditary nonpolyposis colorectal neoplasms. Last evaluated: 2025-11-09. Review status: criteria provided, single submitter. Criteria: Invitae Variant Classification Sherloc (09022015). Collection method: clinical testing. Allele origin: germline.
Comment: This sequence change replaces glutamic acid, which is acidic and polar, with aspartic acid, which is acidic and polar, at codon 675 of the PMS2 protein (p.Glu675Asp). The frequency data for this variant in the population databases (gnomAD) is considered unreliable due to the presence of homologous sequence, such as pseudogenes or paralogs, in the genome. This variant has not been reported in the literature in individuals affected with PMS2-related conditions. ClinVar contains an entry for this variant (Variation ID: 820538). Invitae Evidence Modeling incorporating data from in vitro experimental studies (internal data) indicates that this missense variant is not expected to disrupt PMS2 function with a negative predictive value of 95%. In summary, the available evidence is currently insufficient to determine the role of this variant in disease. Therefore, it has been classified as a Variant of Uncertain Significance.

Ambry Genetics
Classification: Uncertain significance for Hereditary cancer-predisposing syndrome. Last evaluated: 2025-08-25. Review status: criteria provided, single submitter. Criteria: Ambry Variant Classification Scheme 2023. Collection method: clinical testing. Allele origin: germline.
Comment: The p.E675D variant (also known as c.2025A>T), located in coding exon 12 of the PMS2 gene, results from an A to T substitution at nucleotide position 2025. The glutamic acid at codon 675 is replaced by aspartic acid, an amino acid with highly similar properties. This amino acid position is not well conserved in available vertebrate species. In addition, this alteration is predicted to be tolerated by in silico analysis. Based on the available evidence, the clinical significance of this variant remains unclear.

Baylor Genetics
Classification: Uncertain significance for Lynch syndrome 4. Last evaluated: 2023-11-30. Review status: criteria provided, single submitter. Criteria: ACMG Guidelines, 2015. Collection method: clinical testing. Allele origin: unknown.